The following is an entry in ClinVar:

NM_001035.3(RYR2):c.13712C>T (p.Thr4571Met)

Gene: RYR2 (ryanodine receptor 2; plus strand). Cytogenetic location: 1q43.
Variant type: single nucleotide variant.
Coding change: c.13712C>T on transcript NM_001035.3 (MANE Select); coding-DNA position 13712, C replaced by T.
Protein change: p.Thr4571Met; replaces threonine 4571 with methionine.
Molecular consequence: missense variant.
Genome position (GRCh38, 1-based): chr1:237,792,253, C>T. VCF-style: chr1-237792253-C-T. GRCh37 (hg19) VCF-style: chr1-237955553-C-T.
Other names: c.13712C>T, p.Thr4571Met (LRG_402t1); short protein forms T4571M.
Identifiers: ClinVar variation 191492 (VCV000191492.59), dbSNP rs200803276, ClinGen allele CA008025.

ClinVar aggregate classification (germline): Conflicting classifications of pathogenicity. Review status: criteria provided, conflicting classifications (1 of 4 stars). 8 submissions from 8 submitters: Uncertain significance (7); Likely benign (1). Last evaluated 2025-12-22.

Conditions:
Arrhythmogenic right ventricular dysplasia 2. Identifiers: MedGen C1832931.
Ventricular arrhythmias due to cardiac ryanodine receptor calcium release deficiency syndrome. Also called: Autosomal dominant cardiac arrhythmia (Kuhn). Identifiers: MedGen C5542154, MONDO:0020745, OMIM 115000.
Catecholaminergic polymorphic ventricular tachycardia 1. Also called: VENTRICULAR TACHYCARDIA, CATECHOLAMINERGIC POLYMORPHIC, 1, WITH OR WITHOUT ATRIAL DYSFUNCTION AND/OR DILATED CARDIOMYOPATHY; VENTRICULAR TACHYCARDIA, STRESS-INDUCED POLYMORPHIC 1; RYR2-Related Catecholaminergic Polymorphic Ventricular Tachycardia. Identifiers: Orphanet 3286, MedGen C1631597, MONDO:0011484, OMIM 604772.
Cardiovascular phenotype. Identifiers: MedGen CN230736.
Catecholaminergic polymorphic ventricular tachycardia (CVPT). Also called: Catecholamine-induced polymorphic ventricular tachycardia. Identifiers: Orphanet 3286, MedGen C5574922, MONDO:0017990.
Cardiomyopathy (CMYO). Also called: Cardiomyopathies. Identifiers: Orphanet 167848, MedGen C0878544, MONDO:0004994, HP:0001638. Inheritance: Various modes of inheritance.

Allele frequency attached by ClinVar (database versions not stated): ExAC 0.00001; gnomAD 0.00002; gnomAD exomes 0.00004; TOPMed 0.00004.
gnomAD v4.1: 29 of 1,613,590 alleles (0.0018%); highest among the groups gnomAD compares: Admixed American, 0.017%; no homozygotes.

Submissions (8):

Labcorp Genetics (formerly Invitae), Labcorp
Classification: Likely benign for Catecholaminergic polymorphic ventricular tachycardia 1. Last evaluated: 2025-12-22. Review status: criteria provided, single submitter. Criteria: Invitae Variant Classification Sherloc (09022015). Collection method: clinical testing. Allele origin: germline.

GeneDx
Classification: Uncertain significance. Last evaluated: 2024-11-22. Review status: criteria provided, single submitter. Criteria: GeneDx Variant Classification Process June 2021. Collection method: clinical testing. Allele origin: germline. Affected: yes.
Comment: In silico analysis supports that this missense variant has a deleterious effect on protein structure/function; Has not been previously published as pathogenic or benign to our knowledge; Located in one of the three hot-spot regions of the RYR2 gene, where the majority of pathogenic missense variants occur (PMID: 19926015); This variant is associated with the following publications: (PMID: 19926015)

All of Us Research Program, National Institutes of Health
Classification: Uncertain significance for Catecholaminergic polymorphic ventricular tachycardia. Last evaluated: 2024-08-13. Review status: criteria provided, single submitter. Criteria: ACMG Guidelines, 2015. Collection method: clinical testing. Allele origin: germline. Inheritance: Autosomal dominant inheritance. Observed: 17 variant alleles, 17 heterozygotes.
Comment: This variant is located in the RYR2 protein. Computational prediction suggests that this variant may not impact protein structure and function (internally defined REVEL score threshold <= 0.5, PMID: 27666373). To our knowledge, functional studies have not been reported for this variant. This variant has not been reported in individuals affected with cardiovascular disorders in the literature. This variant has been identified in 11/280158 chromosomes in the general population by the Genome Aggregation Database (gnomAD). The available evidence is insufficient to determine the role of this variant in disease conclusively. Therefore, this variant is classified as a Variant of Uncertain Significance.

This study involves interpretation of variants in research participants for the purpose of population health screening. Participant phenotype was not available at the time of variant classification. Additional details can be found in publication PMID: 35346344, PMCID: PMC8962531

Color Diagnostics, LLC DBA Color Health
Classification: Uncertain significance for Cardiomyopathy. Last evaluated: 2024-04-05. Review status: criteria provided, single submitter. Criteria: ACMG Guidelines, 2015. Collection method: clinical testing. Allele origin: germline.
Comment: This variant is located in the RYR2 protein. Computational prediction suggests that this variant may not impact protein structure and function (internally defined REVEL score threshold <= 0.5, PMID: 27666373). To our knowledge, functional studies have not been reported for this variant. This variant has not been reported in individuals affected with cardiovascular disorders in the literature. This variant has been identified in 11/280158 chromosomes in the general population by the Genome Aggregation Database (gnomAD). The available evidence is insufficient to determine the role of this variant in disease conclusively. Therefore, this variant is classified as a Variant of Uncertain Significance.

Ambry Genetics
Classification: Uncertain significance for Cardiovascular phenotype. Last evaluated: 2023-10-25. Review status: criteria provided, single submitter. Criteria: Ambry Variant Classification Scheme 2023. Collection method: clinical testing. Allele origin: germline.
Comment: The p.T4571M variant (also known as c.13712C>T), located in coding exon 94 of the RYR2 gene, results from a C to T substitution at nucleotide position 13712. The threonine at codon 4571 is replaced by methionine, an amino acid with similar properties. This amino acid position is well conserved in available vertebrate species. In addition, the in silico prediction for this alteration is inconclusive. Since supporting evidence is limited at this time, the clinical significance of this alteration remains unclear.

Fulgent Genetics
Classification: Uncertain significance for Ventricular arrhythmias due to cardiac ryanodine receptor calcium release deficiency syndrome; Catecholaminergic polymorphic ventricular tachycardia 1. Last evaluated: 2021-12-03. Review status: criteria provided, single submitter. Criteria: ACMG Guidelines, 2015. Collection method: clinical testing. Allele origin: unknown.

CeGaT Center for Human Genetics Tuebingen
Classification: Uncertain significance. Last evaluated: 2019-06-01. Review status: criteria provided, single submitter. Criteria: CeGaT Center For Human Genetics Tuebingen Variant Classification Criteria Version 2. Collection method: clinical testing. Allele origin: germline. Affected: yes. Observed: 1 variant allele.

Biesecker Lab/Clinical Genomics Section, National Institutes of Health
Classification: Uncertain significance. Last evaluated: 2013-06-24. Review status: criteria provided, single submitter. Criteria: Ng et al. (Circ Cardiovasc Genet. 2013). Collection method: research. Allele origin: unknown. Observed: 1 variant allele. Study: ClinSeq.
Comment: The study set was not selected for affection status in relation to any cancer. Pathogenicity categories were based on literature curation. See Pubmed ID:23861362 for details.

Medical sequencing

Literature cited by the submitters: PubMed 23861362 (cited by Ambry Genetics).